The following is an entry in ClinVar:

ClinVar aggregate classification (germline): Benign (1 of 4 stars; one submission).

Allele frequency attached by ClinVar (database versions not stated): gnomAD 0.00033; TOPMed 0.00045; 1000 Genomes Project 30x 0.00047; 1000 Genomes Project 0.00060; ExAC 0.00090.
gnomAD v4.1: 418 of 1,614,088 alleles (0.026%); highest among the groups gnomAD compares: East Asian, 0.84%; 2 homozygotes.

Submission:

CeGaT Center for Human Genetics Tuebingen
Classification: Benign. Last evaluated: 2024-06-01. Review status: criteria provided, single submitter. Criteria: CeGaT Center For Human Genetics Tuebingen Variant Classification Criteria Version 2. Collection method: clinical testing. Allele origin: germline. Affected: yes. Observed: 1 variant allele.
Comment: RIC1: BP4, BP7, BS1, BS2

NM_020829.4(RIC1):c.1356T>C (p.His452=)

Gene: RIC1 (RIC1 partner of RAB6A GEF complex; plus strand). Cytogenetic location: 9p24.1.
Variant type: single nucleotide variant.
Coding change: c.1356T>C on transcript NM_020829.4 (MANE Select); coding-DNA position 1356, T replaced by C.
Protein change: p.His452=; no amino-acid change (histidine 452 retained).
Molecular consequence: synonymous variant.
Genome position (GRCh38, 1-based): chr9:5,747,409, T>C. VCF-style: chr9-5747409-T-C. GRCh37 (hg19) VCF-style: chr9-5747409-T-C.
Other names: c.1356T>C, p.His452= (NM_001135920.4, NM_001206557.2).
Identifiers: ClinVar variation 3250810 (VCV003250810.18), dbSNP rs147633178.